The following is an entry in ClinVar:

NM_016151.4(TAOK2):c.1535G>A (p.Arg512Gln)

Gene: TAOK2 (TAO kinase 2; plus strand). Cytogenetic location: 16p11.2.
Variant type: single nucleotide variant.
Coding change: c.1535G>A on transcript NM_016151.4 (MANE Select); coding-DNA position 1535, G replaced by A.
Protein change: p.Arg512Gln; replaces arginine 512 with glutamine.
Molecular consequence: missense variant.
Genome position (GRCh38, 1-based): chr16:29,985,325, G>A. VCF-style: chr16-29985325-G-A. GRCh37 (hg19) VCF-style: chr16-29996646-G-A.
Other names: c.1535G>A, p.Arg512Gln (NM_001252043.2, NM_004783.4); short protein forms R512Q.
Identifiers: ClinVar variation 3452888 (VCV003452888.2).

ClinVar aggregate classification (germline): Uncertain significance. Review status: criteria provided, multiple submitters, no conflicts (2 of 4 stars). 2 submissions from 2 submitters: Uncertain significance (2). Last evaluated 2025-06-14.

gnomAD v4.1: 14 of 1,610,456 alleles (0.00087%); highest among the groups gnomAD compares: Admixed American, 0.0034%; no homozygotes.

Submissions (2):

Labcorp Genetics (formerly Invitae), Labcorp
Classification: Uncertain significance. Last evaluated: 2025-06-14. Review status: criteria provided, single submitter. Criteria: Invitae Variant Classification Sherloc (09022015). Collection method: clinical testing. Allele origin: germline.
Comment: This sequence change replaces arginine, which is basic and polar, with glutamine, which is neutral and polar, at codon 512 of the TAOK2 protein (p.Arg512Gln). This variant is present in population databases (rs772408260, gnomAD 0.01%). This variant has not been reported in the literature in individuals affected with TAOK2-related conditions. ClinVar contains an entry for this variant (Variation ID: 3452888). An algorithm developed to predict the effect of missense changes on protein structure and function (PolyPhen-2) suggests that this variant is likely to be disruptive. In summary, the available evidence is currently insufficient to determine the role of this variant in disease. Therefore, it has been classified as a Variant of Uncertain Significance.

Ambry Genetics
Classification: Uncertain significance. Last evaluated: 2024-11-26. Review status: criteria provided, single submitter. Criteria: Ambry Variant Classification Scheme 2023. Collection method: clinical testing. Allele origin: germline.